The following is an entry in ClinVar:

NM_139076.3(ABRAXAS1):c.1123G>C (p.Gly375Arg)

Gene: ABRAXAS1 (abraxas 1, BRCA1 A complex subunit; minus strand). Cytogenetic location: 4q21.23.
Variant type: single nucleotide variant.
Coding change: c.1123G>C on transcript NM_139076.3 (MANE Select); coding-DNA position 1123, G replaced by C.
Protein change: p.Gly375Arg; replaces glycine 375 with arginine.
Molecular consequence: missense variant.
Genome position (GRCh38, 1-based): chr4:83,462,576, C>G on the plus strand (G>C on the coding strand, the complement: ABRAXAS1 is on the minus strand). VCF-style: chr4-83462576-C-G. GRCh37 (hg19) VCF-style: chr4-84383729-C-G.
Other names: c.796G>C, p.Gly266Arg (NM_001345962.2); short protein forms G266R, G375R.
Identifiers: ClinVar variation 1799625 (VCV001799625.5), dbSNP rs756892998, ClinGen allele CA2990370.
Genomic context (GRCh38, chr4:83,462,576, plus strand): 5'-CAATTTCTTCATCTGTTTCTGGGCTGCTCATTTTGGATGCTTTATCTTGGTTACTACTAC[C>G]AGTATCTGCTTTAGATCGTTTGTCTTGTGTATCTAACAACCGAGATCTCTTGAATTGCCA-3'
Protein context (NP_620775.2, residues 365-385): TQDKRSKADT[Gly375Arg]SSNQDKASKM

ClinVar aggregate classification (germline): Uncertain significance. Review status: criteria provided, multiple submitters, no conflicts (2 of 4 stars). 2 submissions from 2 submitters: Uncertain significance (2). Last evaluated 2024-01-31.

Allele frequency attached by ClinVar (database versions not stated): gnomAD exomes below 0.00001; ExAC 0.00002.
gnomAD v4.1: 7 of 1,614,094 alleles (0.00043%); highest among the groups gnomAD compares: Non-Finnish European, 0.00059%; no homozygotes.

Submissions (2):

Ambry Genetics
Classification: Uncertain significance. Last evaluated: 2024-01-31. Review status: criteria provided, single submitter. Criteria: Ambry Variant Classification Scheme 2023. Collection method: clinical testing. Allele origin: germline.
Comment: The p.G375R variant (also known as c.1123G>C), located in coding exon 9 of the FAM175A gene, results from a G to C substitution at nucleotide position 1123. The glycine at codon 375 is replaced by arginine, an amino acid with dissimilar properties. This amino acid position is conserved. In addition, this alteration is predicted to be tolerated by in silico analysis. Since supporting evidence is limited at this time, the clinical significance of this alteration remains unclear.

Labcorp Genetics (formerly Invitae), Labcorp
Classification: Uncertain significance. Last evaluated: 2023-03-09. Review status: criteria provided, single submitter. Criteria: Invitae Variant Classification Sherloc (09022015). Collection method: clinical testing. Allele origin: germline.
Comment: Algorithms developed to predict the effect of missense changes on protein structure and function output the following: SIFT: "Not Available"; PolyPhen-2: "Benign"; Align-GVGD: "Not Available". The arginine amino acid residue is found in multiple mammalian species, which suggests that this missense change does not adversely affect protein function. ClinVar contains an entry for this variant (Variation ID: 1799625). This variant has not been reported in the literature in individuals affected with ABRAXAS1-related conditions. This variant is present in population databases (rs756892998, gnomAD 0.003%). This sequence change replaces glycine, which is neutral and non-polar, with arginine, which is basic and polar, at codon 375 of the ABRAXAS1 protein (p.Gly375Arg). In summary, the available evidence is currently insufficient to determine the role of this variant in disease. Therefore, it has been classified as a Variant of Uncertain Significance.